The following is an entry in ClinVar:

NM_000152.5(GAA):c.-178G>A

Genes: GAA (alpha glucosidase; plus strand), LOC130061897 (ATAC-STARR-seq lymphoblastoid silent region 9099; plus strand). Cytogenetic location: 17q25.3.
Variant type: single nucleotide variant.
Coding change: c.-178G>A on transcript NM_000152.5 (MANE Select); 178 bases upstream of the start codon, G replaced by A.
Molecular consequence: 5 prime UTR variant. On other transcripts: intron variant (2).
Genome position (GRCh38, 1-based): chr17:80,101,745, G>A. VCF-style: chr17-80101745-G-A. GRCh37 (hg19) VCF-style: chr17-78075544-G-A.
Other names: c.-178G>A (LRG_673t1); c.-112-66G>A (NM_001079803.3); c.-33+120G>A (NM_001079804.3).
Identifiers: ClinVar variation 325771 (VCV000325771.8), dbSNP rs77514632, ClinGen allele CA10647037.

ClinVar aggregate classification (germline): Benign. Review status: criteria provided, multiple submitters, no conflicts (2 of 4 stars). 2 submissions from 2 submitters: Benign (2). Last evaluated 2026-07-01.

Conditions:
Glycogen storage disease, type II (IOPD). Also called: CARDIOMEGALIA GLYCOGENICA DIFFUSA; GLYCOGENOSIS, GENERALIZED, CARDIAC FORM; GSD II; POMPE DISEASE, INFANTILE-ONSET; GLYCOGEN STORAGE DISEASE II, INFANTILE-ONSET; ACID ALPHA-GLUCOSIDASE DEFICIENCY, INFANTILE-ONSET. Identifiers: Orphanet 365, MedGen C0017921, MONDO:0009290, OMIM 232300.

Allele frequency attached by ClinVar (database versions not stated): gnomAD 0.02317 and 0.02487; TOPMed 0.02483; 1000 Genomes Project 0.02536; 1000 Genomes Project 30x 0.02670.

Submissions (2):

Genomenon, Inc
Classification: Benign for Glycogen storage disease, type II. Last evaluated: 2026-07-01. Review status: criteria provided, single submitter. Criteria: Genomenon Sequence Variant Interpretation Standards - Updated. Collection method: curation. Allele origin: germline. Affected: no.
Comment: GAA c.-178G>A is a variant located in the 5′ untranslated region (5′ UTR). This variant is present at high allele frequency in population databases. We classify GAA c.-178G>A as a benign variant.

GeneDx
Classification: Benign. Last evaluated: 2021-05-12. Review status: criteria provided, single submitter. Criteria: GeneDx Variant Classification Process June 2021. Collection method: clinical testing. Allele origin: germline. Affected: yes.